The following is an entry in ClinVar:

ClinVar aggregate classification (germline): Uncertain significance (1 of 4 stars; one submission).

Conditions:
Inborn genetic diseases. Identifiers: MedGen C0950123, MeSH D030342.

Allele frequency attached by ClinVar (database versions not stated): ExAC 0.00001.

Submission:

Ambry Genetics
Classification: Uncertain significance for Inborn genetic diseases. Last evaluated: 2023-01-16. Review status: criteria provided, single submitter. Criteria: Ambry Variant Classification Scheme 2023. Collection method: clinical testing. Allele origin: germline.
Comment: The p.S986L variant (also known as c.2957C>T), located in coding exon 23 of the LRRK2 gene, results from a C to T substitution at nucleotide position 2957. The serine at codon 986 is replaced by leucine, an amino acid with dissimilar properties. This amino acid position is conserved. In addition, the in silico prediction for this alteration is inconclusive. Since supporting evidence is limited at this time, the clinical significance of this alteration remains unclear.

NM_198578.4(LRRK2):c.2957C>T (p.Ser986Leu)

Gene: LRRK2 (leucine rich repeat kinase 2; plus strand). Cytogenetic location: 12q12.
Variant type: single nucleotide variant.
Coding change: c.2957C>T on transcript NM_198578.4 (MANE Select); coding-DNA position 2957, C replaced by T.
Protein change: p.Ser986Leu; replaces serine 986 with leucine.
Molecular consequence: missense variant.
Genome position (GRCh38, 1-based): chr12:40,295,505, C>T. VCF-style: chr12-40295505-C-T. GRCh37 (hg19) VCF-style: chr12-40689307-C-T.
Other names: short protein forms S986L.
Identifiers: ClinVar variation 2447265 (VCV002447265.2), dbSNP rs770669218, ClinGen allele CA6513790.